The following is an entry in ClinVar:

NM_030962.4(SBF2):c.3257-1G>A

Genes: SBF2 (SET binding factor 2; minus strand), LOC101928008 (uncharacterized LOC101928008; plus strand). Cytogenetic location: 11p15.4.
Variant type: single nucleotide variant.
Coding change: c.3257-1G>A on transcript NM_030962.4 (MANE Select); the canonical splice acceptor site of the intron before coding-DNA position 3257, G replaced by A.
Molecular consequence: splice acceptor variant.
Genome position (GRCh38, 1-based): chr11:9,839,697, C>T on the plus strand (G>A on the coding strand, the complement: SBF2 is on the minus strand). VCF-style: chr11-9839697-C-T. GRCh37 (hg19) VCF-style: chr11-9861244-C-T.
Other names: c.3128-1G>A (NM_001386342.1); c.3257-1G>A (NM_001386339.1).
Identifiers: ClinVar variation 1942162 (VCV001942162.5), dbSNP rs746642259, ClinGen allele CA217617374.

ClinVar aggregate classification (germline): Likely pathogenic (1 of 4 stars; one submission).

Conditions:
Charcot-Marie-Tooth disease type 4. Also called: Charcot-Marie-Tooth disease, type IV; Charcot-Marie-Tooth, Type 4. Identifiers: Orphanet 64749, MedGen C4082197, MONDO:0018995.

Allele frequency attached by ClinVar (database versions not stated): gnomAD 0.00001; gnomAD exomes 0.00001.
gnomAD v4.1: 18 of 1,611,454 alleles (0.0011%); highest among the groups gnomAD compares: Non-Finnish European, 0.0015%; no homozygotes.

Submission:

Labcorp Genetics (formerly Invitae), Labcorp
Classification: Likely pathogenic for Charcot-Marie-Tooth disease type 4. Last evaluated: 2024-03-03. Review status: criteria provided, single submitter. Criteria: Invitae Variant Classification Sherloc (09022015). Collection method: clinical testing. Allele origin: germline.
Comment: This sequence change affects an acceptor splice site in intron 25 of the SBF2 gene. It is expected to disrupt RNA splicing. Variants that disrupt the donor or acceptor splice site typically lead to a loss of protein function (PMID: 16199547), and loss-of-function variants in SBF2 are known to be pathogenic (PMID: 12687498, 25873783). This variant is present in population databases (rs746642259, gnomAD 0.007%). This variant has not been reported in the literature in individuals affected with SBF2-related conditions. ClinVar contains an entry for this variant (Variation ID: 1942162). Algorithms developed to predict the effect of sequence changes on RNA splicing suggest that this variant may disrupt the consensus splice site. In summary, the currently available evidence indicates that the variant is pathogenic, but additional data are needed to prove that conclusively. Therefore, this variant has been classified as Likely Pathogenic.

Literature cited by the submitters: PubMed 16199547; PubMed 12687498; PubMed 25873783.